The following is an entry in ClinVar:

NM_005751.5(AKAP9):c.9334C>A (p.Gln3112Lys)

Gene: AKAP9 (A-kinase anchoring protein 9; plus strand). Cytogenetic location: 7q21.2.
Variant type: single nucleotide variant.
Coding change: c.9334C>A on transcript NM_005751.5 (MANE Select); coding-DNA position 9334, C replaced by A.
Protein change: p.Gln3112Lys; replaces glutamine 3112 with lysine.
Molecular consequence: missense variant.
Genome position (GRCh38, 1-based): chr7:92,089,505, C>A. VCF-style: chr7-92089505-C-A. GRCh37 (hg19) VCF-style: chr7-91718819-C-A.
Other names: c.3979C>A, p.Gln1327Lys (NM_001379277.1); c.9310C>A, p.Gln3104Lys (NM_147185.3); short protein forms Q1327K, Q3104K, Q3112K.
Identifiers: ClinVar variation 2634009 (VCV002634009.1), dbSNP rs2535278710, ClinGen allele CA368144818.

ClinVar aggregate classification (germline): Uncertain significance (1 of 4 stars; one submission).

Conditions:
AKAP9-related disorder. Also called: AKAP9-related condition.

gnomAD v4.1: 1 of 1,613,358 alleles (0.000062%); highest among the groups gnomAD compares: Non-Finnish European, 0.000085%; no homozygotes.

Submission:

PreventionGenetics, part of Exact Sciences
Classification: Uncertain significance for AKAP9-related condition. Last evaluated: 2023-09-28. Review status: criteria provided, single submitter. Criteria: ACMG Guidelines, 2015. Collection method: clinical testing. Allele origin: germline.
Comment: The AKAP9 c.9334C>A variant is predicted to result in the amino acid substitution p.Gln3112Lys. To our knowledge, this variant has not been reported in the literature or in a large population database, indicating this variant is rare. At this time, the clinical significance of this variant is uncertain due to the absence of conclusive functional and genetic evidence.